The following is an entry in ClinVar:

NC_000022.10:g.(?_24109541)_(24110081_?)del

Gene: CHCHD10 (coiled-coil-helix-coiled-coil-helix domain containing 10; minus strand). Cytogenetic location: 22q11.23.
Variant type: Deletion.
Identifiers: ClinVar variation 1043025 (VCV001043025.1).

ClinVar aggregate classification (germline): Uncertain significance (1 of 4 stars; one submission).

Conditions:
Lower motor neuron syndrome with late-adult onset (SMAJ). Also called: Spinal muscular atrophy, Jokela type; Late-Onset Spinal Motor Neuronopathy (SMAJ). Identifiers: Orphanet 276435, MedGen C3554398, MONDO:0014025, OMIM 615048.
Frontotemporal dementia and/or amyotrophic lateral sclerosis 2. Also called: FTDALS2. Identifiers: Orphanet 275872, MedGen C4014648, MONDO:0014395, OMIM 615911.
Autosomal dominant mitochondrial myopathy with exercise intolerance (IMMD). Also called: Myopathy, isolated mitochondrial, autosomal dominant. Identifiers: Orphanet 457050, MedGen C4015513, MONDO:0014532, OMIM 616209.

Submission:

Labcorp Genetics (formerly Invitae), Labcorp
Classification: Uncertain significance for Lower motor neuron syndrome with late-adult onset; Frontotemporal dementia and/or amyotrophic lateral sclerosis 2; Autosomal dominant mitochondrial myopathy with exercise intolerance. Last evaluated: 2020-03-05. Review status: criteria provided, single submitter. Criteria: Invitae Variant Classification Sherloc (09022015). Collection method: clinical testing. Allele origin: germline.
Comment: This variant is a gross deletion of the genomic region encompassing exons 1-2 of the CHCHD10 gene, which includes the initiator codon. The 5' end of this event is unknown as it extends beyond the assayed region for this gene and therefore may encompass additional genes. The 3' boundary is likely confined to intron 2 of the CHCHD10 gene. This is expected to result in an absent or disrupted protein product. This deletion has not been reported in the literature in individuals with a CHCHD10-related disease. The current clinical and genetic evidence is not sufficient to establish whether loss-of-function variants in CHCHD10 cause disease. Therefore, this variant has been classified as a Variant of Uncertain Significance.